The following is an entry in ClinVar:

NM_004064.5(CDKN1B):c.51C>A (p.Asp17Glu)

Gene: CDKN1B (cyclin dependent kinase inhibitor 1B; plus strand). Cytogenetic location: 12p13.1.
Variant type: single nucleotide variant.
Coding change: c.51C>A on transcript NM_004064.5 (MANE Select); coding-DNA position 51, C replaced by A.
Protein change: p.Asp17Glu; replaces aspartic acid 17 with glutamic acid.
Molecular consequence: missense variant.
Genome position (GRCh38, 1-based): chr12:12,717,890, C>A. VCF-style: chr12-12717890-C-A. GRCh37 (hg19) VCF-style: chr12-12870824-C-A.
Other names: short protein forms D17E.
Identifiers: ClinVar variation 806832 (VCV000806832.50), dbSNP rs552533838, ClinGen allele CA383968173.

ClinVar aggregate classification (germline): Conflicting classifications of pathogenicity. Review status: criteria provided, conflicting classifications (1 of 4 stars). 3 submissions from 3 submitters: Uncertain significance (2); Benign (1). Last evaluated 2025-07-18.

Conditions:
Hereditary cancer-predisposing syndrome. Also called: Neoplastic Syndromes, Hereditary; Hereditary neoplastic syndrome; Tumor predisposition; Hereditary Cancer Syndrome. Identifiers: Orphanet 140162, MedGen C0027672, MeSH D009386, MONDO:0015356.
Multiple endocrine neoplasia type 4. Also called: MULTIPLE ENDOCRINE NEOPLASIA, TYPE IV. Identifiers: Orphanet 276152, MedGen C1970712, MONDO:0012552, OMIM 610755.

Allele frequency attached by ClinVar (database versions not stated): gnomAD 0.00001; TOPMed 0.00001.
gnomAD v4.1: 7 of 1,613,882 alleles (0.00043%); highest among the groups gnomAD compares: Non-Finnish European, 0.00051%; no homozygotes.

Submissions (3):

Ambry Genetics
Classification: Benign for Hereditary cancer-predisposing syndrome. Last evaluated: 2025-07-18. Review status: criteria provided, single submitter. Criteria: Ambry Variant Classification Scheme 2023. Collection method: clinical testing. Allele origin: germline.

Labcorp Genetics (formerly Invitae), Labcorp
Classification: Uncertain significance for Multiple endocrine neoplasia type 4. Last evaluated: 2024-12-21. Review status: criteria provided, single submitter. Criteria: Invitae Variant Classification Sherloc (09022015). Collection method: clinical testing. Allele origin: germline.
Comment: This sequence change replaces aspartic acid, which is acidic and polar, with glutamic acid, which is acidic and polar, at codon 17 of the CDKN1B protein (p.Asp17Glu). This variant is present in population databases (no rsID available, gnomAD 0.003%). This variant has not been reported in the literature in individuals affected with CDKN1B-related conditions. ClinVar contains an entry for this variant (Variation ID: 806832). An algorithm developed to predict the effect of missense changes on protein structure and function outputs the following: PolyPhen-2: "Benign". The glutamic acid amino acid residue is found in multiple mammalian species, which suggests that this missense change does not adversely affect protein function. In summary, the available evidence is currently insufficient to determine the role of this variant in disease. Therefore, it has been classified as a Variant of Uncertain Significance.

CeGaT Center for Human Genetics Tuebingen
Classification: Uncertain significance. Last evaluated: 2019-01-01. Review status: criteria provided, single submitter. Criteria: CeGaT Center For Human Genetics Tuebingen Variant Classification Criteria Version 2. Collection method: clinical testing. Allele origin: germline. Affected: yes. Observed: 1 variant allele.